The following is an entry in ClinVar:

NM_001042492.3(NF1):c.3074G>A (p.Arg1025Lys)

Gene: NF1 (neurofibromin 1; plus strand). Cytogenetic location: 17q11.2.
Variant type: single nucleotide variant.
Coding change: c.3074G>A on transcript NM_001042492.3 (MANE Select); coding-DNA position 3074, G replaced by A.
Protein change: p.Arg1025Lys; replaces arginine 1025 with lysine.
Molecular consequence: missense variant.
Genome position (GRCh38, 1-based): chr17:31,230,343, G>A. VCF-style: chr17-31230343-G-A. GRCh37 (hg19) VCF-style: chr17-29557361-G-A.
Other names: c.3074G>A, p.Arg1025Lys (NM_000267.4); short protein forms R1025K.
Identifiers: ClinVar variation 232617 (VCV000232617.9), dbSNP rs876659876, ClinGen allele CA10580274.
Genomic context (GRCh38, chr17:31,230,343, plus strand): 5'-TGGTCCATGCAATTCAAATAAAAACGAAACTGTGTCAATTAGTTGAAGTAATGATGGCAA[G>A]GAGAGATGACCTCTCATTTTGCCAAGAGATGAAATTTAGGTGAGTTCTCAAAAGAGCAAT-3'
Protein context (NP_001035957.1, residues 1015-1035): LCQLVEVMMA[Arg1025Lys]RDDLSFCQEM

ClinVar aggregate classification (germline): Uncertain significance. Review status: criteria provided, multiple submitters, no conflicts (2 of 4 stars). 4 submissions from 3 submitters: Uncertain significance (4). Last evaluated 2025-09-05.

Conditions:
Cardiovascular phenotype. Identifiers: MedGen CN230736.
Hereditary cancer-predisposing syndrome. Also called: Hereditary Cancer Syndrome; Neoplastic Syndromes, Hereditary; Tumor predisposition; Hereditary neoplastic syndrome. Identifiers: Orphanet 140162, MedGen C0027672, MeSH D009386, MONDO:0015356.
Neurofibromatosis, type 1 (NF1). Also called: Neurofibromatosis, type I; VON RECKLINGHAUSEN DISEASE; NEUROFIBROMATOSIS, TYPE I, SOMATIC; Peripheral type neurofibromatosis. Identifiers: Orphanet 636, MedGen C0027831, MONDO:0018975, OMIM 162200. Disease mechanism: loss of function.

Allele frequency attached by ClinVar (database versions not stated): gnomAD exomes below 0.00001.
gnomAD v4.1: 2 of 1,613,502 alleles (0.00012%); highest among the groups gnomAD compares: Non-Finnish European, 0.00017%; no homozygotes.

Submissions (4):

Labcorp Genetics (formerly Invitae), Labcorp
Classification: Uncertain significance for Neurofibromatosis, type 1. Last evaluated: 2025-09-05. Review status: criteria provided, single submitter. Criteria: Invitae Variant Classification Sherloc (09022015). Collection method: clinical testing. Allele origin: germline.
Comment: This sequence change replaces arginine, which is basic and polar, with lysine, which is basic and polar, at codon 1025 of the NF1 protein (p.Arg1025Lys). This variant is not present in population databases (gnomAD no frequency). This variant has not been reported in the literature in individuals affected with NF1-related conditions. ClinVar contains an entry for this variant (Variation ID: 232617). Invitae Evidence Modeling of protein sequence and biophysical properties (such as structural, functional, and spatial information, amino acid conservation, physicochemical variation, residue mobility, and thermodynamic stability) indicates that this missense variant is expected to disrupt NF1 protein function with a positive predictive value of 95%. In summary, the available evidence is currently insufficient to determine the role of this variant in disease. Therefore, it has been classified as a Variant of Uncertain Significance.

Genome-Nilou Lab
Classification: Uncertain significance for Neurofibromatosis, type 1. Last evaluated: 2022-03-15. Review status: criteria provided, single submitter. Criteria: ACMG Guidelines, 2015. Collection method: clinical testing. Allele origin: germline. Affected: no.

Ambry Genetics
Classification: Uncertain significance for Cardiovascular phenotype; Hereditary cancer-predisposing syndrome. Last evaluated: 2020-07-31. Review status: criteria provided, single submitter. Criteria: Ambry Variant Classification Scheme 2023. Collection method: clinical testing. Allele origin: germline.

Ambry Genetics
Classification: Uncertain significance for Hereditary cancer-predisposing syndrome. Last evaluated: 2015-07-02. Review status: criteria provided, single submitter. Criteria: Ambry Autosomal Dominant and X-Linked criteria (10/2015). Collection method: clinical testing. Allele origin: germline. Observed: 1 variant allele.
Comment: Thep.R1025Kvariant (also known as c.3074G>A), located in codingexon23 of theNF1gene, results from a G to A substitution at nucleotide position 3074. Thearginineatcodon1025 is replaced by lysine, an amino acid with highly similar properties. This variant was not reported in population based cohorts in the following databases: Database of Single NucleotidePolymorphisms(dbSNP),NHLBIExomeSequencing Project (ESP), and 1000Genomes Project. In the ESP, this variant was not observed in 6502 samples (13004 alleles) with coverage at this position.To date, this alteration has been detected with an allele frequency of approximately 0.002% (greater than 55000 alleles tested) in our clinical cohort.This amino acid position is highly conserved in available vertebrate species. In addition, this alteration is predicted to be possibly damaging and deleterious byPolyPhenand SIFTinsilicoanalyses, respectively.Since supporting evidence is limited at this time, the clinical significance of this variant remains unclear.